The following is an entry in ClinVar:

NM_016284.5(CNOT1):c.146G>A (p.Arg49His)

Gene: CNOT1 (CCR4-NOT transcription complex subunit 1; minus strand). Cytogenetic location: 16q21.
Variant type: single nucleotide variant.
Coding change: c.146G>A on transcript NM_016284.5 (MANE Select); coding-DNA position 146, G replaced by A.
Protein change: p.Arg49His; replaces arginine 49 with histidine.
Molecular consequence: missense variant. On other transcripts: non-coding transcript variant (1).
Genome position (GRCh38, 1-based): chr16:58,588,863, C>T on the plus strand (G>A on the coding strand, the complement: CNOT1 is on the minus strand). VCF-style: chr16-58588863-C-T. GRCh37 (hg19) VCF-style: chr16-58622767-C-T.
Other names: c.146G>A, p.Arg49His (NM_001265612.2, NM_206999.3); short protein forms R49H.
Identifiers: ClinVar variation 4071918 (VCV004071918.1).

ClinVar aggregate classification (germline): Uncertain significance (1 of 4 stars; one submission).

gnomAD v4.1: 3 of 1,613,446 alleles (0.00019%); highest among the groups gnomAD compares: Non-Finnish European, 0.00025%; no homozygotes.

Submission:

GeneDx
Classification: Uncertain significance. Last evaluated: 2025-01-27. Review status: criteria provided, single submitter. Criteria: GeneDx Variant Classification Process June 2021. Collection method: clinical testing. Allele origin: germline. Affected: yes.
Comment: Not observed at significant frequency in large population cohorts (gnomAD); In silico analysis supports that this missense variant has a deleterious effect on protein structure/function; Has not been previously published as pathogenic or benign to our knowledge